The following is an entry in ClinVar:

ClinVar aggregate classification (germline): Uncertain significance. Review status: criteria provided, multiple submitters, no conflicts (2 of 4 stars). 2 submissions from 2 submitters: Uncertain significance (2). Last evaluated 2024-05-14.

Conditions:
Alpha thalassemia-X-linked intellectual disability syndrome (ATRX). Also called: ALPHA-THALASSEMIA/MENTAL RETARDATION SYNDROME, X-LINKED; ATR, NONDELETION TYPE; ATR-X syndrome; Alpha thalassemia mental retardation syndrome, nondeletion type, X-linked; XLMR hypotonic face syndrome; X-linked alpha-thalassemia-mental retardation syndrome. Identifiers: Orphanet 847, MedGen C1845055, MONDO:0010519, OMIM 301040.

gnomAD v4.1: 3 of 1,209,816 alleles (0.00025%); highest among the groups gnomAD compares: Non-Finnish European, 0.00034%; no homozygotes.

Submissions (2):

ARUP Laboratories, Molecular Genetics and Genomics, ARUP Laboratories
Classification: Uncertain significance. Last evaluated: 2024-05-14. Review status: criteria provided, single submitter. Criteria: ARUP Molecular Germline Variant Investigation Process 2024. Collection method: clinical testing. Allele origin: germline.

Labcorp Genetics (formerly Invitae), Labcorp
Classification: Uncertain significance for Alpha thalassemia-X-linked intellectual disability syndrome. Last evaluated: 2024-03-07. Review status: criteria provided, single submitter. Criteria: Invitae Variant Classification Sherloc (09022015). Collection method: clinical testing. Allele origin: germline.
Comment: This sequence change replaces aspartic acid, which is acidic and polar, with glutamic acid, which is acidic and polar, at codon 1469 of the ATRX protein (p.Asp1469Glu). This variant is not present in population databases (gnomAD no frequency). This variant has not been reported in the literature in individuals affected with ATRX-related conditions. Advanced modeling of protein sequence and biophysical properties (such as structural, functional, and spatial information, amino acid conservation, physicochemical variation, residue mobility, and thermodynamic stability) performed at Invitae indicates that this missense variant is not expected to disrupt ATRX protein function with a negative predictive value of 95%. In summary, the available evidence is currently insufficient to determine the role of this variant in disease. Therefore, it has been classified as a Variant of Uncertain Significance.

NM_000489.6(ATRX):c.4407T>A (p.Asp1469Glu)

Gene: ATRX (ATRX chromatin remodeler; minus strand). Cytogenetic location: Xq21.1.
Variant type: single nucleotide variant.
Coding change: c.4407T>A on transcript NM_000489.6 (MANE Select); coding-DNA position 4407, T replaced by A.
Protein change: p.Asp1469Glu; replaces aspartic acid 1469 with glutamic acid.
Molecular consequence: missense variant.
Genome position (GRCh38, 1-based): chrX:77,652,264, A>T on the plus strand (T>A on the coding strand, the complement: ATRX is on the minus strand). VCF-style: chrX-77652264-A-T. GRCh37 (hg19) VCF-style: chrX-76907754-A-T.
Other names: c.4293T>A, p.Asp1431Glu (NM_138270.5); short protein forms D1431E, D1469E.
Identifiers: ClinVar variation 3616481 (VCV003616481.3).